The following is an entry in ClinVar:

ClinVar aggregate classification (germline): Likely pathogenic. Review status: reviewed by expert panel (3 of 4 stars). 3 submissions from 3 submitters: Likely pathogenic (1). 2 of the submissions do not count toward it. Last evaluated 2025-12-22.

Conditions:
Glycogen storage disease, type II (IOPD). Also called: CARDIOMEGALIA GLYCOGENICA DIFFUSA; GLYCOGENOSIS, GENERALIZED, CARDIAC FORM; GSD II; Glycogen storage disease type 2; Acid maltase deficiency disease; Aglucosidase alfa. Identifiers: Orphanet 365, MedGen C0017921, MONDO:0009290, OMIM 232300.

Submissions (3):

ClinGen Lysosomal Storage Disorder Variant Curation Expert Panel
Classification: Likely pathogenic for Glycogen storage disease, type II. Last evaluated: 2025-12-22. Review status: reviewed by expert panel. Criteria: clingen_lsd_acmg_specifications_v2-1. Collection method: curation. Allele origin: germline. Inheritance: Autosomal recessive inheritance.
Comment: The NM_000152.5: c.2646+2T>G variant alters the canonical donor splice site of intron 18. RT-PCR and sequence analysis from an individual who is compound heterozygous for a different likely pathogenic variant at this location (c.2646+2T>A) revealed that this c.2646+2T>A variant results in the use of a cryptic splice site in exon 18 causing an in-frame deletion of the last 7 amino acids of exon 18, which would remove <10% of the protein (PMID: 11854868). The c.2646+2T>G variant has a similar SpliceAI score to the c.2646+2T>A variant of 0.99 for donor loss at the -2 position and 0.87 for gain of a cryptic donor site at the -23 position, and is expected to cause a similar splicing effect (PVS1_Moderate). The variant is not in gnomAD v2.1.1 or gnomAD v4.1.0 (PM2_Supporting). Two individuals with this variant have been reported to have Pompe disease and residual GAA activity in the affected range in dried blood spots (PMID: 40952111) (PP4_Moderate). One of these individuals was compound heterozygous for the variant and a pathogenic variant (c.2040+1G>T), phase unconfirmed; and one was compound heterozygous for the variant and a variant not yet evaluated by the ClinGen Lysosomal Diseases VCEP (c.1057C>T, p.Gln353Ter) (PM3_Supporting). There is a ClinVar entry for this variant (Variation ID:2825913). In summary, this variant meets the criteria to be classified as Likely Pathogenic for Pompe disease. GAA-specific ACMG/AMP criteria applied, as specified by the ClinGen Lysosomal Diseases Variant Curation Expert Panel (Specifications Version 2.0): PVS1_Moderate, PP4_Moderate, PM2_Supporting, PM3_Supporting. (Classification approved by the ClinGen Lysosomal Diseases Variant Curation Expert Panel on December 22, 2025)

Genomenon, Inc
Classification: Likely pathogenic for Glycogen storage disease, type II. Last evaluated: 2026-07-01. Review status: criteria provided, single submitter. Criteria: Genomenon Sequence Variant Interpretation Standards - Updated. Collection method: curation. Allele origin: germline. Affected: yes. Not counted in ClinVar's aggregate classification.
Comment: GAA c.2646+2T>G is a canonical splice variant affecting the donor splice site of intron 18. It is predicted to affect mRNA splicing, leading to a deleterious effect on the GAA protein. This variant has been observed in at least one proband with a GAA-related disorder in the compound heterozygous and/or homozygous state (PMID:40952111). It is absent or not present at a significant frequency in gnomAD. In conclusion, we classify GAA c.2646+2T>G as a likely pathogenic variant.

Labcorp Genetics (formerly Invitae), Labcorp
Classification: Pathogenic for Glycogen storage disease, type II. Last evaluated: 2023-01-24. Review status: criteria provided, single submitter. Criteria: Invitae Variant Classification Sherloc (09022015). Collection method: clinical testing. Allele origin: germline. Not counted in ClinVar's aggregate classification.
Comment: This sequence change affects a donor splice site in intron 18 of the GAA gene. It is expected to disrupt RNA splicing. Variants that disrupt the donor or acceptor splice site typically lead to a loss of protein function (PMID: 16199547), and loss-of-function variants in GAA are known to be pathogenic (PMID: 18425781, 22252923). This variant is not present in population databases (gnomAD no frequency). Disruption of this splice site has been observed in individuals with Pompe disease (PMID: 11738358, 29422078). Algorithms developed to predict the effect of sequence changes on RNA splicing suggest that this variant may disrupt the consensus splice site. For these reasons, this variant has been classified as Pathogenic.

Literature cited by the submitters: PubMed 40952111 (cited by Genomenon, Inc); PubMed 16199547 (cited by Labcorp Genetics (formerly Invitae), Labcorp); PubMed 18425781 (cited by Labcorp Genetics (formerly Invitae), Labcorp); PubMed 22252923 (cited by Labcorp Genetics (formerly Invitae), Labcorp); PubMed 11738358 (cited by Labcorp Genetics (formerly Invitae), Labcorp); PubMed 29422078 (cited by Labcorp Genetics (formerly Invitae), Labcorp).

NM_000152.5(GAA):c.2646+2T>G

Gene: GAA (alpha glucosidase; plus strand). Cytogenetic location: 17q25.3.
Variant type: single nucleotide variant.
Coding change: c.2646+2T>G on transcript NM_000152.5 (MANE Select); the canonical splice donor site of the intron after coding-DNA position 2646, T replaced by G.
Molecular consequence: splice donor variant.
Genome position (GRCh38, 1-based): chr17:80,118,359, T>G. VCF-style: chr17-80118359-T-G. GRCh37 (hg19) VCF-style: chr17-78092158-T-G.
Other names: c.2646+2T>G (NM_001406741.1, NM_001406742.1, NM_001079803.3 and 1 more transcripts).
Identifiers: ClinVar variation 2825913 (VCV002825913.4), dbSNP rs786204561, ClinGen allele CA401326518.